The following is an entry in ClinVar:

NM_021116.4(ADCY1):c.2410C>T (p.Gln804Ter)

Gene: ADCY1 (adenylate cyclase 1; plus strand). Cytogenetic location: 7p12.3.
Variant type: single nucleotide variant.
Coding change: c.2410C>T on transcript NM_021116.4 (MANE Select); coding-DNA position 2410, C replaced by T.
Protein change: p.Gln804Ter; replaces glutamine 804 with a stop codon.
Molecular consequence: nonsense.
Genome position (GRCh38, 1-based): chr7:45,686,629, C>T. VCF-style: chr7-45686629-C-T. GRCh37 (hg19) VCF-style: chr7-45726228-C-T.
Other names: short protein forms Q804*.
Identifiers: ClinVar variation 4845837 (VCV004845837.1).

ClinVar aggregate classification (germline): Likely pathogenic (1 of 4 stars; one submission).

Conditions:
Autosomal recessive nonsyndromic hearing loss 44. Also called: Deafness, autosomal recessive 44. Identifiers: Orphanet 90636, MedGen C1857809, MONDO:0012421, OMIM 610154.

Submission:

First Genomix Gene Laboratory, Genetic Diagnostics Department
Classification: Likely pathogenic for Autosomal recessive nonsyndromic hearing loss 44. Last evaluated: 2025-03-27. Review status: criteria provided, single submitter. Criteria: ACMG Guidelines, 2015. Collection method: clinical testing. Allele origin: germline. Inheritance: Autosomal recessive inheritance. Affected: no. Observed: 1 variant allele.